The following is an entry in ClinVar:

ClinVar aggregate classification (germline): Pathogenic (1 of 4 stars; one submission).

Submission:

GeneDx
Classification: Pathogenic. Last evaluated: 2026-01-12. Review status: criteria provided, single submitter. Criteria: GeneDx Variant Classification Process June 2021. Collection method: clinical testing. Allele origin: germline.
Comment: Frameshift variant predicted to result in protein truncation or nonsense mediated decay in a gene for which loss of function is a known mechanism of disease; Not observed at significant frequency in large population cohorts (gnomAD); Has not been previously published as pathogenic or benign to our knowledge

NM_016148.5(SHANK1):c.5531dup (p.Pro1847fs)

Gene: SHANK1 (SH3 and multiple ankyrin repeat domains 1; minus strand). Cytogenetic location: 19q13.33.
Variant type: Duplication.
Coding change: c.5531dup on transcript NM_016148.5 (MANE Select); coding-DNA position 5531, one base duplicated (C; older notation c.5531dupC).
Protein change: p.Pro1847fs; shifts the reading frame from proline 1847.
Molecular consequence: frameshift variant.
Genome position (GRCh38, 1-based): chr19:50,666,429, G duplicated on the plus strand (C on the coding strand, the reverse complement: SHANK1 is on the minus strand); the first of 3 consecutive G bases (chr19:50,666,429-50,666,431); duplicating any one gives the same sequence. VCF-style (leftmost placement, unchanged base first): chr19-50666428-C-CG. GRCh37 (hg19) VCF-style: chr19-51169685-C-CG.
Other names: short protein forms P1847fs.
Identifiers: ClinVar variation 3907791 (VCV003907791.2).